The following is an entry in ClinVar:

NM_014956.5(CEP164):c.765+3A>T

Gene: CEP164 (centrosomal protein 164; plus strand). Cytogenetic location: 11q23.3.
Variant type: single nucleotide variant.
Coding change: c.765+3A>T on transcript NM_014956.5 (MANE Select); 3 bases into the intron after coding-DNA position 765, A replaced by T.
Molecular consequence: intron variant.
Genome position (GRCh38, 1-based): chr11:117,363,509, A>T. VCF-style: chr11-117363509-A-T. GRCh37 (hg19) VCF-style: chr11-117234225-A-T.
Other names: c.765+3A>T (NM_001271933.2).
Identifiers: ClinVar variation 1412909 (VCV001412909.4), dbSNP rs1256710112, ClinGen allele CA601844286.

ClinVar aggregate classification (germline): Uncertain significance. Review status: criteria provided, multiple submitters, no conflicts (2 of 4 stars). 2 submissions from 2 submitters: Uncertain significance (2). Last evaluated 2022-02-09.

Conditions:
Nephronophthisis 15 (NPHP15). Identifiers: Orphanet 3156, MedGen C3541853, MONDO:0013917, OMIM 614845.

Allele frequency attached by ClinVar (database versions not stated): gnomAD exomes 0.00001; gnomAD 0.00002 and 0.00003; TOPMed 0.00004.
gnomAD v4.1: 9 of 1,608,488 alleles (0.00056%); highest among the groups gnomAD compares: Admixed American, 0.0067%; no homozygotes.

Submissions (2):

Fulgent Genetics
Classification: Uncertain significance for Nephronophthisis 15. Last evaluated: 2022-02-09. Review status: criteria provided, single submitter. Criteria: ACMG Guidelines, 2015. Collection method: clinical testing. Allele origin: unknown.

Labcorp Genetics (formerly Invitae), Labcorp
Classification: Uncertain significance for Nephronophthisis 15. Last evaluated: 2021-10-05. Review status: criteria provided, single submitter. Criteria: Invitae Variant Classification Sherloc (09022015). Collection method: clinical testing. Allele origin: germline.
Comment: This sequence change falls in intron 8 of the CEP164 gene. It does not directly change the encoded amino acid sequence of the CEP164 protein. It affects a nucleotide within the consensus splice site of the intron. This variant is not present in population databases (ExAC no frequency). This variant has not been reported in the literature in individuals affected with CEP164-related conditions. Variants that disrupt the consensus splice site are a relatively common cause of aberrant splicing (PMID: 17576681, 9536098). Algorithms developed to predict the effect of sequence changes on RNA splicing suggest that this variant may disrupt the consensus splice site. In summary, the available evidence is currently insufficient to determine the role of this variant in disease. Therefore, it has been classified as a Variant of Uncertain Significance.

Literature cited by the submitters: PubMed 17576681 (cited by Labcorp Genetics (formerly Invitae), Labcorp); PubMed 9536098 (cited by Labcorp Genetics (formerly Invitae), Labcorp).